The following is an entry in ClinVar:

ClinVar aggregate classification (germline): Uncertain significance (1 of 4 stars; one submission).

Submission:

Labcorp Genetics (formerly Invitae), Labcorp
Classification: Uncertain significance. Last evaluated: 2026-01-28. Review status: criteria provided, single submitter. Criteria: Invitae Variant Classification Sherloc (09022015). Collection method: clinical testing. Allele origin: germline.
Comment: This sequence change replaces glutamic acid, which is acidic and polar, with alanine, which is neutral and non-polar, at codon 6 of the FAR1 protein (p.Glu6Ala). This variant is not present in population databases (gnomAD no frequency). This variant has not been reported in the literature in individuals affected with FAR1-related conditions. Invitae Evidence Modeling of protein sequence and biophysical properties (such as structural, functional, and spatial information, amino acid conservation, physicochemical variation, residue mobility, and thermodynamic stability) indicates that this missense variant is not expected to disrupt FAR1 protein function with a negative predictive value of 80%. In summary, the available evidence is currently insufficient to determine the role of this variant in disease. Therefore, it has been classified as a Variant of Uncertain Significance.

NM_032228.6(FAR1):c.17A>C (p.Glu6Ala)

Gene: FAR1 (fatty acyl-CoA reductase 1; plus strand). Cytogenetic location: 11p15.3.
Variant type: single nucleotide variant.
Coding change: c.17A>C on transcript NM_032228.6 (MANE Select); coding-DNA position 17, A replaced by C.
Protein change: p.Glu6Ala; replaces glutamic acid 6 with alanine.
Molecular consequence: missense variant.
Genome position (GRCh38, 1-based): chr11:13,694,782, A>C. VCF-style: chr11-13694782-A-C. GRCh37 (hg19) VCF-style: chr11-13716329-A-C.
Other names: c.17A>C, p.Glu6Ala (NM_001441242.1, NM_001441243.1, NM_001441244.1 and 6 more transcripts); short protein forms E6A.
Identifiers: ClinVar variation 4740234 (VCV004740234.1).